The following is an entry in ClinVar:

NM_000465.4(BARD1):c.792C>T (p.Gly264=)

Gene: BARD1 (BRCA1 associated RING domain 1; minus strand). Cytogenetic location: 2q35.
Variant type: single nucleotide variant.
Coding change: c.792C>T on transcript NM_000465.4 (MANE Select); coding-DNA position 792, C replaced by T.
Protein change: p.Gly264=; no amino-acid change (glycine 264 retained).
Molecular consequence: synonymous variant. On other transcripts: non-coding transcript variant (2), intron variant (3).
Genome position (GRCh38, 1-based): chr2:214,781,082, G>A on the plus strand (C>T on the coding strand, the complement: BARD1 is on the minus strand). VCF-style: chr2-214781082-G-A. GRCh37 (hg19) VCF-style: chr2-215645806-G-A.
Other names: c.735C>T, p.Gly245= (NM_001282543.2); c.158+28330C>T (NM_001282548.2); c.215+15979C>T (NM_001282545.2); c.364+11215C>T (NM_001282549.2).
Identifiers: ClinVar variation 490970 (VCV000490970.17), dbSNP rs1276619198, ClinGen allele CA431390542.

ClinVar aggregate classification (germline): Benign/Likely benign. Review status: criteria provided, multiple submitters, no conflicts (2 of 4 stars). 4 submissions from 4 submitters: Benign (1); Likely benign (3). Last evaluated 2024-11-27.

Conditions:
Hereditary cancer-predisposing syndrome. Also called: Hereditary Cancer Syndrome; Neoplastic Syndromes, Hereditary; Tumor predisposition; Hereditary neoplastic syndrome. Identifiers: Orphanet 140162, MedGen C0027672, MeSH D009386, MONDO:0015356.
Familial cancer of breast. Also called: Hereditary breast cancer; BREAST CANCER, FAMILIAL; hereditary breast carcinoma. Identifiers: Orphanet 227535, MedGen C0346153, MONDO:0016419, OMIM 114480. Disease mechanism: loss of function.

Allele frequency attached by ClinVar (database versions not stated): TOPMed 0.00001.
gnomAD v4.1: 1 of 1,594,484 alleles (0.000063%); no homozygotes.

Submissions (4):

Labcorp Genetics (formerly Invitae), Labcorp
Classification: Likely benign for Familial cancer of breast. Last evaluated: 2024-11-27. Review status: criteria provided, single submitter. Criteria: Invitae Variant Classification Sherloc (09022015). Collection method: clinical testing. Allele origin: germline.

Myriad Genetics, Inc.
Classification: Benign for Familial cancer of breast. Last evaluated: 2024-07-23. Review status: criteria provided, single submitter. Criteria: Myriad Autosomal Dominant, Autosomal Recessive and X-Linked Classification Criteria (2023). Collection method: clinical testing. Allele origin: unknown.
Comment: This variant is considered benign. This variant is a silent/synonymous amino acid change and it is not expected to impact splicing.

Ambry Genetics
Classification: Likely benign for Hereditary cancer-predisposing syndrome. Last evaluated: 2017-10-17. Review status: criteria provided, single submitter. Criteria: Ambry Variant Classification Scheme 2023. Collection method: clinical testing. Allele origin: germline.

Color Diagnostics, LLC DBA Color Health
Classification: Likely benign for Hereditary cancer-predisposing syndrome. Last evaluated: 2016-05-19. Review status: criteria provided, single submitter. Criteria: ACMG Guidelines, 2015. Collection method: clinical testing. Allele origin: germline.